The following is an entry in ClinVar:

ClinVar aggregate classification (germline): Uncertain significance. Review status: criteria provided, multiple submitters, no conflicts (2 of 4 stars). 4 submissions from 4 submitters: Uncertain significance (4). Last evaluated 2023-06-06.

Conditions:
Atrial conduction disease. Identifiers: Orphanet 436242, MedGen CN221670, MONDO:0014500.
Inborn genetic diseases. Identifiers: MedGen C0950123, MeSH D030342.

Allele frequency attached by ClinVar (database versions not stated): gnomAD exomes 0.00001.
gnomAD v4.1: 12 of 1,611,024 alleles (0.00074%); highest among the groups gnomAD compares: Admixed American, 0.0034%; no homozygotes.

Submissions (4):

Ambry Genetics
Classification: Uncertain significance for Inborn genetic diseases. Last evaluated: 2023-06-06. Review status: criteria provided, single submitter. Criteria: Ambry Variant Classification Scheme 2023. Collection method: clinical testing. Allele origin: germline.

Genome-Nilou Lab
Classification: Uncertain significance for Cardiac conduction disease with or without dilated cardiomyopathy 1. Last evaluated: 2023-04-11. Review status: criteria provided, single submitter. Criteria: ACMG Guidelines, 2015. Collection method: clinical testing. Allele origin: germline. Affected: no.

Labcorp Genetics (formerly Invitae), Labcorp
Classification: Uncertain significance. Last evaluated: 2022-08-31. Review status: criteria provided, single submitter. Criteria: Invitae Variant Classification Sherloc (09022015). Collection method: clinical testing. Allele origin: germline.
Comment: This sequence change replaces isoleucine, which is neutral and non-polar, with threonine, which is neutral and polar, at codon 726 of the TNNI3K protein (p.Ile726Thr). This variant is present in population databases (no rsID available, gnomAD 0.003%). This variant has not been reported in the literature in individuals affected with TNNI3K-related conditions. Algorithms developed to predict the effect of missense changes on protein structure and function output the following: SIFT: "Deleterious"; PolyPhen-2: "Benign"; Align-GVGD: "Class C0". The threonine amino acid residue is found in multiple mammalian species, which suggests that this missense change does not adversely affect protein function. In summary, the available evidence is currently insufficient to determine the role of this variant in disease. Therefore, it has been classified as a Variant of Uncertain Significance.

Department of Pathology and Laboratory Medicine, Sinai Health System
Classification: Uncertain significance for Cardiac conduction disease with or without dilated cardiomyopathy 1. Last evaluated: 2022-03-04. Review status: criteria provided, single submitter. Criteria: ACMG Guidelines, 2015. Collection method: research. Allele origin: germline.

NM_015978.3(TNNI3K):c.2177T>C (p.Ile726Thr)

Genes: FPGT-TNNI3K (FPGT-TNNI3K readthrough; plus strand), LRRC53 (leucine rich repeat containing 53; minus strand), TNNI3K (TNNI3 interacting kinase; plus strand). Cytogenetic location: 1p31.1.
Variant type: single nucleotide variant.
Coding change: c.2177T>C on transcript NM_015978.3 (MANE Select); coding-DNA position 2177, T replaced by C.
Protein change: p.Ile726Thr; replaces isoleucine 726 with threonine.
Molecular consequence: missense variant. On other transcripts: intron variant (2).
Genome position (GRCh38, 1-based): chr1:74,489,244, T>C. VCF-style: chr1-74489244-T-C. GRCh37 (hg19) VCF-style: chr1-74954928-T-C.
Other names: c.2480T>C, p.Ile827Thr (NM_001112808.3); c.-8-8276A>G (NM_001364666.2); c.-26-5869A>G (NM_001382280.1); short protein forms I827T, I726T.
Identifiers: ClinVar variation 1957248 (VCV001957248.9), dbSNP rs1279580722, ClinGen allele CA340798690.